The following is an entry in ClinVar:

ClinVar aggregate classification (germline): Pathogenic/Likely pathogenic. Review status: criteria provided, multiple submitters, no conflicts (2 of 4 stars). 4 submissions from 4 submitters: Pathogenic (2); Likely pathogenic (1). 1 of the submissions does not count toward it. Last evaluated 2022-05-18.

Conditions:
PRPF31-related disorder. Also called: PRPF31-related condition.
Retinal dystrophy. Also called: Inherited retinal dystrophy. Identifiers: Orphanet 71862, MedGen C0854723, MeSH D058499, MONDO:0019118, HP:0000556.
Retinitis pigmentosa 11 (RP11). Identifiers: Orphanet 791, MedGen C1838601, MONDO:0010828, OMIM 600138.

Submissions (4):

Labcorp Genetics (formerly Invitae), Labcorp
Classification: Pathogenic. Last evaluated: 2022-05-18. Review status: criteria provided, single submitter. Criteria: Invitae Variant Classification Sherloc (09022015). Collection method: clinical testing. Allele origin: germline.
Comment: This sequence change creates a premature translational stop signal (p.Gln175*) in the PRPF31 gene. It is expected to result in an absent or disrupted protein product. Loss-of-function variants in PRPF31 are known to be pathogenic (PMID: 18317597, 23950152). For these reasons, this variant has been classified as Pathogenic. This variant is not present in population databases (gnomAD no frequency). This variant has not been reported in the literature in individuals affected with PRPF31-related conditions. ClinVar contains an entry for this variant (Variation ID: 1065676).

Ocular Genomics Institute, Massachusetts Eye and Ear
Classification: Likely pathogenic for Retinitis pigmentosa 11. Last evaluated: 2021-04-08. Review status: criteria provided, single submitter. Criteria: ACMG Guidelines, 2015. Collection method: research. Allele origin: germline. Affected: yes.
Comment: Through a review of available evidence we were able to apply the following criteria: PVS1, PM2. Based on this evidence we have classified this variant as Likely Pathogenic.

Blueprint Genetics
Classification: Pathogenic for PRPF31-related disorders. Last evaluated: 2019-10-30. Review status: criteria provided, single submitter. Criteria: ACMG Guidelines, 2015. Collection method: clinical testing. Allele origin: germline. Affected: yes. Observed: 3 variant alleles.

Institute of Human Genetics, Univ. Regensburg, Univ. Regensburg
Classification: Pathogenic for Retinal dystrophy. Last evaluated: 2018-01-01. Review status: no assertion criteria provided. Criteria: ACMG Guidelines, 2015. Collection method: clinical testing. Allele origin: germline. Affected: yes. Not counted in ClinVar's aggregate classification.

Literature cited by the submitters: PubMed 18317597 (cited by Labcorp Genetics (formerly Invitae), Labcorp); PubMed 23950152 (cited by Labcorp Genetics (formerly Invitae), Labcorp).

NM_015629.4(PRPF31):c.523C>T (p.Gln175Ter)

Gene: PRPF31 (pre-mRNA processing factor 31; plus strand). Cytogenetic location: 19q13.42.
Variant type: single nucleotide variant.
Coding change: c.523C>T on transcript NM_015629.4 (MANE Select); coding-DNA position 523, C replaced by T.
Protein change: p.Gln175Ter; replaces glutamine 175 with a stop codon.
Molecular consequence: nonsense.
Genome position (GRCh38, 1-based): chr19:54,123,556, C>T. VCF-style: chr19-54123556-C-T. GRCh37 (hg19) VCF-style: chr19-54626935-C-T.
Other names: short protein forms Q175*.
Identifiers: ClinVar variation 1065676 (VCV001065676.9), dbSNP rs2146418999, ClinGen allele CA407750404.